The following is an entry in ClinVar:

NM_001042492.3(NF1):c.1804dup (p.Glu602fs)

Gene: NF1 (neurofibromin 1; plus strand). Cytogenetic location: 17q11.2.
Variant type: Duplication.
Coding change: c.1804dup on transcript NM_001042492.3 (MANE Select); coding-DNA position 1804, one base duplicated (G; older notation c.1804dupG).
Protein change: p.Glu602fs; shifts the reading frame from glutamic acid 602.
Molecular consequence: frameshift variant.
Genome position (GRCh38, 1-based): chr17:31,223,526, G duplicated; the last of 3 consecutive G bases (chr17:31,223,524-31,223,526); duplicating any one gives the same sequence. VCF-style (leftmost placement, unchanged base first): chr17-31223523-C-CG. GRCh37 (hg19) VCF-style: chr17-29550541-C-CG.
Other names: c.1804dupG (NM_000267.3); c.1804dup, p.Glu602Glyfs (NM_000267.4); short protein forms E602fs.
Identifiers: ClinVar variation 659891 (VCV000659891.5), dbSNP rs1597708762, ClinGen allele CA915949739.
Genomic context (GRCh38, chr17:31,223,523, plus strand): 5'-ATCTGCAAGAAATTAACTAGTCATCAAATGCTTAGTAGCACAGAAATTCTCAAGTGGTTG[C>CG]GGGAAATATTGATCTGCAGGAATAAATTTCTTCTTAAAAATAAGGTAAGCAAAATGACAT-3'

ClinVar aggregate classification (germline): Pathogenic (1 of 4 stars; one submission).

Conditions:
Neurofibromatosis, type 1 (NF1). Also called: VON RECKLINGHAUSEN DISEASE; NEUROFIBROMATOSIS, TYPE I, SOMATIC; Peripheral type neurofibromatosis; Neurofibromatosis, type I. Identifiers: Orphanet 636, MedGen C0027831, MONDO:0018975, OMIM 162200. Disease mechanism: loss of function.

Submission:

Labcorp Genetics (formerly Invitae), Labcorp
Classification: Pathogenic for Neurofibromatosis, type 1. Last evaluated: 2018-07-10. Review status: criteria provided, single submitter. Criteria: Invitae Variant Classification Sherloc (09022015). Collection method: clinical testing. Allele origin: germline.
Comment: For these reasons, this variant has been classified as Pathogenic. This sequence change creates a premature translational stop signal (p.Glu602Glyfs*8) in the NF1 gene. It is expected to result in an absent or disrupted protein product. This variant is not present in population databases (ExAC no frequency). This variant has not been reported in the literature in individuals with NF1-related disease. Loss-of-function variants in NF1 are known to be pathogenic (PMID: 10712197, 23913538).

Literature cited by the submitters: PubMed 10712197; PubMed 23913538.